The following is an entry in ClinVar:

ClinVar aggregate classification (germline): Benign. Review status: criteria provided, multiple submitters, no conflicts (2 of 4 stars). 2 submissions from 2 submitters: Benign (2). Last evaluated 2026-01-19.

Conditions:
Isolated focal non-epidermolytic palmoplantar keratoderma. Also called: Palmoplantar keratoderma, nonepidermolytic, focal 2. Identifiers: Orphanet 448264, MedGen C4225339, MONDO:0014622, OMIM 616400.

Allele frequency attached by ClinVar (database versions not stated): ESP Exome Variant Server 0.00008; gnomAD 0.00018; TOPMed 0.00019; gnomAD exomes 0.00078; 1000 Genomes Project 30x 0.00156; ExAC 0.00164; 1000 Genomes Project 0.00180.
gnomAD v4.1: 692 of 1,581,096 alleles (0.044%); highest among the groups gnomAD compares: South Asian, 0.45%; 5 homozygotes.

Submissions (2):

Labcorp Genetics (formerly Invitae), Labcorp
Classification: Benign. Last evaluated: 2026-01-19. Review status: criteria provided, single submitter. Criteria: Invitae Variant Classification Sherloc (09022015). Collection method: clinical testing. Allele origin: germline.

Illumina Laboratory Services, Illumina
Classification: Benign for Isolated focal non-epidermolytic palmoplantar keratoderma. Last evaluated: 2018-01-13. Review status: criteria provided, single submitter. Criteria: ICSL Variant Classification Criteria 13 December 2019. Collection method: clinical testing. Allele origin: germline.
Comment: This variant was observed in the ICSL laboratory as part of a predisposition screen in an ostensibly healthy population. It had not been previously curated by ICSL or reported in the Human Gene Mutation Database (HGMD: prior to June 1st, 2018), and was therefore a candidate for classification through an automated scoring system. Utilizing variant allele frequency, disease prevalence and penetrance estimates, and inheritance mode, an automated score was calculated to assess if this variant is too frequent to cause the disease. Based on the score and internal cut-off values, a variant classified as benign is not then subjected to further curation. The score for this variant resulted in a classification of benign for this disease.

NM_145068.4(TRPV3):c.2034C>T (p.Gly678=)

Gene: TRPV3 (transient receptor potential cation channel subfamily V member 3; minus strand). Cytogenetic location: 17p13.2.
Variant type: single nucleotide variant.
Coding change: c.2034C>T on transcript NM_145068.4 (MANE Select); coding-DNA position 2034, C replaced by T.
Protein change: p.Gly678=; no amino-acid change (glycine 678 retained).
Molecular consequence: synonymous variant.
Genome position (GRCh38, 1-based): chr17:3,518,627, G>A on the plus strand (C>T on the coding strand, the complement: TRPV3 is on the minus strand). VCF-style: chr17-3518627-G-A. GRCh37 (hg19) VCF-style: chr17-3421921-G-A.
Other names: c.2034C>T, p.Gly678= (NM_001258205.2).
Identifiers: ClinVar variation 322756 (VCV000322756.13), dbSNP rs201663049, ClinGen allele CA8289244.
Genomic context (GRCh38, chr17:3,518,627, plus strand): 5'-TAGGCTCACCTGCAGGCGCCAGATGCGTTCGCTCTCCTTGGAGACGTTCTCCACAGTCTC[G>A]CCCATCAGAGCAATGAGCATGTTGAGGAGGAGAACAAAGGTGAGGATGACATAGGTGATG-3'
Protein context (NP_659505.1, residues 668-688): LLLNMLIALM[Gly678=]ETVENVSKES